The following is an entry in ClinVar:

NM_001163809.2(WDR81):c.1878G>A (p.Pro626=)

Gene: WDR81 (WD repeat domain 81; plus strand). Cytogenetic location: 17p13.3.
Variant type: single nucleotide variant.
Coding change: c.1878G>A on transcript NM_001163809.2 (MANE Select); coding-DNA position 1878, G replaced by A.
Protein change: p.Pro626=; no amino-acid change (proline 626 retained).
Molecular consequence: synonymous variant. On other transcripts: intron variant (3).
Genome position (GRCh38, 1-based): chr17:1,726,837, G>A. VCF-style: chr17-1726837-G-A. GRCh37 (hg19) VCF-style: chr17-1630131-G-A.
Other names: p.Pro626=; c.-123-1153G>A (NM_152348.4); c.59-3543G>A (NM_001163673.2); c.-15+2051G>A (NM_001163811.2).
Identifiers: ClinVar variation 777084 (VCV000777084.7), dbSNP rs28439625, ClinGen allele CA8273081.

ClinVar aggregate classification (germline): Benign/Likely benign. Review status: criteria provided, multiple submitters, no conflicts (2 of 4 stars). 4 submissions from 4 submitters: Benign (3); Likely benign (1). Last evaluated 2024-07-04.

Allele frequency attached by ClinVar (database versions not stated): gnomAD exomes 0.00043 and 0.00099; ExAC 0.00172; 1000 Genomes Project 30x 0.00344; 1000 Genomes Project 0.00359; gnomAD 0.00473 and 0.00511; TOPMed 0.00519.
gnomAD v4.1: 1,349 of 1,550,060 alleles (0.087%); highest among the groups gnomAD compares: African/African-American, 1.6%; 13 homozygotes.

Submissions (4):

Blueprint Genetics
Classification: Likely benign. Last evaluated: 2024-07-04. Review status: criteria provided, single submitter. Criteria: ACMG Guidelines, 2015. Collection method: clinical testing. Allele origin: germline.

Mayo Clinic Laboratories, Mayo Clinic
Classification: Benign. Last evaluated: 2024-02-15. Review status: criteria provided, single submitter. Criteria: ACMG Guidelines, 2015. Collection method: clinical testing. Allele origin: germline. Observed: 3 variant alleles.
Comment: BS1, BS2, BP4, BP7

Labcorp Genetics (formerly Invitae), Labcorp
Classification: Benign. Last evaluated: 2019-12-31. Review status: criteria provided, single submitter. Criteria: Invitae Variant Classification Sherloc (09022015). Collection method: clinical testing. Allele origin: germline.

Breakthrough Genomics
Classification: Benign. Review status: criteria provided, single submitter. Criteria: ACMG Guidelines, 2015. Collection method: not provided. Allele origin: germline. Inheritance: Autosomal recessive inheritance. Affected: yes.